The following is an entry in ClinVar:

ClinVar aggregate classification (germline): Benign/Likely benign. Review status: criteria provided, multiple submitters, no conflicts (2 of 4 stars). 4 submissions from 4 submitters: Benign (1); Likely benign (2). 1 of the submissions does not count toward it. Last evaluated 2026-04-01.

Conditions:
STUB1-related disorder. Also called: STUB1-related condition.

Allele frequency attached by ClinVar (database versions not stated): 1000 Genomes Project 0.00060; 1000 Genomes Project 30x 0.00062; TOPMed 0.00217; ESP Exome Variant Server 0.00238; ExAC 0.00302; gnomAD exomes 0.00341.
gnomAD v4.1: 5,374 of 1,613,126 alleles (0.33%); highest among the groups gnomAD compares: Non-Finnish European, 0.37%; 14 homozygotes.

Submissions (4):

CeGaT Center for Human Genetics Tuebingen
Classification: Likely benign. Last evaluated: 2026-04-01. Review status: criteria provided, single submitter. Criteria: CeGaT Center For Human Genetics Tuebingen Variant Classification Criteria Version 2. Collection method: clinical testing. Allele origin: germline. Affected: yes. Observed: 17 variant alleles.
Comment: JMJD8: BS2; STUB1: BS2

Blueprint Genetics
Classification: Likely benign. Last evaluated: 2024-11-22. Review status: criteria provided, single submitter. Criteria: ACMG Guidelines, 2015. Collection method: clinical testing. Allele origin: germline.

Mayo Clinic Laboratories, Mayo Clinic
Classification: Benign. Last evaluated: 2024-05-08. Review status: criteria provided, single submitter. Criteria: ACMG Guidelines, 2015. Collection method: clinical testing. Allele origin: germline. Observed: 6 variant alleles.
Comment: BS1, BS2

PreventionGenetics, part of Exact Sciences
Classification: Likely benign for STUB1-related condition. Last evaluated: 2019-09-25. Review status: no assertion criteria provided. Collection method: clinical testing. Allele origin: germline. Not counted in ClinVar's aggregate classification.
Comment: This variant is classified as likely benign based on ACMG/AMP sequence variant interpretation guidelines (Richards et al. 2015 PMID: 25741868, with internal and published modifications).

NM_001005920.4(JMJD8):c.*300G>A

Genes: JMJD8 (jumonji domain containing 8; minus strand), STUB1 (STIP1 homology and U-box containing protein 1; plus strand). Cytogenetic location: 16p13.3.
Variant type: single nucleotide variant.
Coding change: c.*300G>A on transcript NM_001005920.4 (MANE Select); 300 bases downstream of the stop codon, G replaced by A.
Molecular consequence: 3 prime UTR variant. On other transcripts: non-coding transcript variant (3).
Genome position (GRCh38, 1-based): chr16:682,494, C>T on the plus strand (G>A on the coding strand, the complement: JMJD8 is on the minus strand). VCF-style: chr16-682494-C-T. GRCh37 (hg19) VCF-style: chr16-732494-C-T.
Other names: c.*5C>T (NM_001293197.2, NM_005861.4); c.*334G>A (NM_001323918.3, NM_001323922.3); c.*300G>A (NM_001323919.3, NM_001323920.3).
Identifiers: ClinVar variation 2498635 (VCV002498635.31), dbSNP rs145420490, ClinGen allele CA7786879.
Genomic context (GRCh38, chr16:682,494, plus strand): 5'-TGAAGGAGGTTATTGACGCATTCATCTCTGAGAATGGCTGGGTGGAGGACTACTGAGGTT[C>T]CCTGCCCTACCTGGCGTCCTGGTCCAGGGGAGCCCTGGGCAGAAGCCCCCGGCCCCTATA-3'